The following is an entry in ClinVar:

NM_004360.5(CDH1):c.163+7_163+8delinsAG

Gene: CDH1 (cadherin 1; plus strand). Cytogenetic location: 16q22.1.
Variant type: Indel.
Coding change: c.163+7_163+8delinsAG on transcript NM_004360.5 (MANE Select); bases 7 to 8 of the intron after coding-DNA position 163, GC replaced by AG.
Molecular consequence: intron variant.
Genome position (GRCh38, 1-based): chr16:68,738,418-68,738,419, GC replaced by AG. VCF-style: chr16-68738418-GC-AG. GRCh37 (hg19) VCF-style: chr16-68772321-GC-AG.
Other names: c.-1453+7_-1453+8delinsAG (NM_001317185.2); c.-1657+7_-1657+8delinsAG (NM_001317186.2); c.163+7_163+8delinsAG (NM_001317184.2).
Identifiers: ClinVar variation 3378854 (VCV003378854.1).

ClinVar aggregate classification (germline): Likely benign (1 of 4 stars; one submission).

Conditions:
Hereditary diffuse gastric adenocarcinoma (HDGC). Also called: DIFFUSE GASTRIC AND LOBULAR BREAST CANCER SYNDROME. Identifiers: Orphanet 26106, MedGen C1708349, MONDO:0007648, OMIM 137215.

Submission:

Myriad Genetics, Inc.
Classification: Likely benign for Hereditary diffuse gastric adenocarcinoma. Last evaluated: 2024-09-11. Review status: criteria provided, single submitter. Criteria: Myriad Autosomal Dominant, Autosomal Recessive and X-Linked Classification Criteria (2023). Collection method: clinical testing. Allele origin: unknown.
Comment: This variant is considered likely benign. This variant is intronic and is not expected to impact mRNA splicing.